The following is an entry in ClinVar:

ClinVar aggregate classification (germline): Uncertain significance (1 of 4 stars; one submission).

Conditions:
Autosomal recessive severe congenital neutropenia due to CSF3R deficiency. Also called: Neutropenia, severe congenital, 7, autosomal recessive. Identifiers: Orphanet 420702, MedGen C4310764, MONDO:0014865, OMIM 617014.

Submission:

Labcorp Genetics (formerly Invitae), Labcorp
Classification: Uncertain significance for Autosomal recessive severe congenital neutropenia due to CSF3R deficiency. Last evaluated: 2019-12-11. Review status: criteria provided, single submitter. Criteria: Invitae Variant Classification Sherloc (09022015). Collection method: clinical testing. Allele origin: germline.
Comment: In summary, the available evidence is currently insufficient to determine the role of this variant in disease. Therefore, it has been classified as a Variant of Uncertain Significance. Algorithms developed to predict the effect of missense changes on protein structure and function (SIFT, PolyPhen-2, Align-GVGD) all suggest that this variant is likely to be tolerated, but these predictions have not been confirmed by published functional studies and their clinical significance is uncertain. This sequence change replaces threonine with lysine at codon 760 of the CSF3R protein (p.Thr760Lys). The threonine residue is moderately conserved and there is a moderate physicochemical difference between threonine and lysine. This variant is not present in population databases (ExAC no frequency). This variant has not been reported in the literature in individuals with CSF3R-related conditions.

NM_000760.4(CSF3R):c.2279C>A (p.Thr760Lys)

Gene: CSF3R (colony stimulating factor 3 receptor; minus strand). Cytogenetic location: 1p34.3.
Variant type: single nucleotide variant.
Coding change: c.2279C>A on transcript NM_000760.4 (MANE Select); coding-DNA position 2279, C replaced by A.
Protein change: p.Thr760Lys; replaces threonine 760 with lysine.
Molecular consequence: missense variant. On other transcripts: intron variant (1).
Genome position (GRCh38, 1-based): chr1:36,466,589, G>T on the plus strand (C>A on the coding strand, the complement: CSF3R is on the minus strand). VCF-style: chr1-36466589-G-T. GRCh37 (hg19) VCF-style: chr1-36932190-G-T.
Other names: c.2360C>A, p.Thr787Lys (NM_156039.3); c.2247+32C>A (NM_172313.3); short protein forms T760K, T787K.
Identifiers: ClinVar variation 841395 (VCV000841395.9), dbSNP rs1436771935, ClinGen allele CA339413373.